The following is an entry in ClinVar:

NM_133433.4(NIPBL):c.4675_4750dup (p.Leu1584delinsGlnThrThrValTer)

Gene: NIPBL (NIPBL cohesin loading factor; plus strand). Cytogenetic location: 5p13.2.
Variant type: Duplication.
Coding change: c.4675_4750dup on transcript NM_133433.4 (MANE Select); coding-DNA positions 4675 to 4750, 76 bases duplicated.
Protein change: p.Leu1584delinsGlnThrThrValTer.
Molecular consequence: nonsense.
Genome position (GRCh38, 1-based): chr5:37,016,069-37,016,144, 76 bases duplicated. GRCh37 (hg19): chr5:37,016,171-37,016,246.
Other names: c.4675_4750dup, p.Leu1584delinsGlnThrThrValTer (NM_015384.5).
Identifiers: ClinVar variation 1072674 (VCV001072674.2), dbSNP rs2149690678, ClinGen allele CA2499217843.

ClinVar aggregate classification (germline): Pathogenic (1 of 4 stars; one submission).

Conditions:
Cornelia de Lange syndrome 1 (CDLS1). Also called: TYPUS DEGENERATIVUS AMSTELODAMENSIS; Brachmann de Lange syndrome; NIPBL-Related Cornelia de Lange Syndrome. Identifiers: Orphanet 199, MedGen C4551851, MONDO:0007387, OMIM 122470.

Submission:

Labcorp Genetics (formerly Invitae), Labcorp
Classification: Pathogenic for Cornelia de Lange syndrome 1. Last evaluated: 2020-09-29. Review status: criteria provided, single submitter. Criteria: Invitae Variant Classification Sherloc (09022015). Collection method: clinical testing. Allele origin: germline.
Comment: This sequence change creates a premature translational stop signal (p.Leu1584Glnfs*5) in the NIPBL gene. It is expected to result in an absent or disrupted protein product. This variant is not present in population databases (ExAC no frequency). This variant has not been reported in the literature in individuals with NIPBL-related conditions. Algorithms developed to predict the effect of sequence changes on RNA splicing suggest that this variant may create or strengthen a splice site, but this prediction has not been confirmed by published transcriptional studies. Loss-of-function variants in NIPBL are known to be pathogenic (PMID: 15318302, 19763162, 23505322, 29995837). For these reasons, this variant has been classified as Pathogenic.

Literature cited by the submitters: PubMed 15318302; PubMed 19763162; PubMed 23505322; PubMed 29995837.